The following is an entry in ClinVar:

ClinVar aggregate classification (germline): Uncertain significance (1 of 4 stars; one submission).

gnomAD v4.1: 14 of 1,613,970 alleles (0.00087%); highest among the groups gnomAD compares: East Asian, 0.0045%; no homozygotes.

Submission:

Labcorp Genetics (formerly Invitae), Labcorp
Classification: Uncertain significance. Last evaluated: 2024-04-07. Review status: criteria provided, single submitter. Criteria: Invitae Variant Classification Sherloc (09022015). Collection method: clinical testing. Allele origin: germline.
Comment: This sequence change replaces proline, which is neutral and non-polar, with leucine, which is neutral and non-polar, at codon 1376 of the NLRP1 protein (p.Pro1376Leu). This variant is present in population databases (rs201238497, gnomAD 0.005%). This variant has not been reported in the literature in individuals affected with NLRP1-related conditions. Algorithms developed to predict the effect of missense changes on protein structure and function output the following: SIFT: "Not Available"; PolyPhen-2: "Benign"; Align-GVGD: "Not Available". The leucine amino acid residue is found in multiple mammalian species, which suggests that this missense change does not adversely affect protein function. In summary, the available evidence is currently insufficient to determine the role of this variant in disease. Therefore, it has been classified as a Variant of Uncertain Significance.

NM_033004.4(NLRP1):c.4127C>T (p.Pro1376Leu)

Gene: NLRP1 (NLR family pyrin domain containing 1; minus strand). Cytogenetic location: 17p13.2.
Variant type: single nucleotide variant.
Coding change: c.4127C>T on transcript NM_033004.4 (MANE Select); coding-DNA position 4127, C replaced by T.
Protein change: p.Pro1376Leu; replaces proline 1376 with leucine.
Molecular consequence: missense variant. On other transcripts: intron variant (1).
Genome position (GRCh38, 1-based): chr17:5,515,049, G>A on the plus strand (C>T on the coding strand, the complement: NLRP1 is on the minus strand). VCF-style: chr17-5515049-G-A. GRCh37 (hg19) VCF-style: chr17-5418369-G-A.
Other names: c.3995C>T, p.Pro1332Leu (NM_014922.5); c.4037C>T, p.Pro1346Leu (NM_033006.4); c.3905C>T, p.Pro1302Leu (NM_033007.4); c.4069+2697C>T (NM_001033053.3); short protein forms P1302L, P1332L, P1346L, P1376L.
Identifiers: ClinVar variation 3605025 (VCV003605025.2).
Genomic context (GRCh38, chr17:5,515,049, plus strand): 5'-ACCGATGTCACTCGGGCTATCAGCTGCTCTCGATACTGGTCCACAAAGTGCAGCAACTGC[G>A]GGGCATCCAGAGGTGAAGGTACGGCTGGCAACGAACAAAGAAGGGCTCCAACCACAGCCT-3'
Protein context (NP_127497.1, residues 1366-1386): RIAVPSPLDA[Pro1376Leu]QLLHFVDQYR